The following is an entry in ClinVar:

NM_025137.4(SPG11):c.2621-5T>C

Gene: SPG11 (SPG11 vesicle trafficking associated, spatacsin; minus strand). Cytogenetic location: 15q21.1.
Variant type: single nucleotide variant.
Coding change: c.2621-5T>C on transcript NM_025137.4 (MANE Select); 5 bases into the intron before coding-DNA position 2621, T replaced by C.
Molecular consequence: intron variant.
Genome position (GRCh38, 1-based): chr15:44,620,408, A>G on the plus strand (T>C on the coding strand, the complement: SPG11 is on the minus strand). VCF-style: chr15-44620408-A-G. GRCh37 (hg19) VCF-style: chr15-44912606-A-G.
Other names: c.2621-5T>C (NM_001160227.2).
Identifiers: ClinVar variation 466514 (VCV000466514.10), dbSNP rs1331589550, ClinGen allele CA618006225.
Genomic context (GRCh38, chr15:44,620,408, plus strand): 5'-ATCATGGCGAGCTGTGAGGTATCTCCAGAGGGCTTCAGGGGAATATGATTTGTATTCTAC[A>G]TGAAAAAAAACACATTTTAAAATATAATTAATTATGTCTATTGACATGTAACTCAACACT-3'

ClinVar aggregate classification (germline): Conflicting classifications of pathogenicity. Review status: criteria provided, conflicting classifications (1 of 4 stars). 2 submissions from 2 submitters: Uncertain significance (1); Likely benign (1). Last evaluated 2025-05-08.

Conditions:
Inborn genetic diseases. Identifiers: MedGen C0950123, MeSH D030342.
Hereditary spastic paraplegia 11. Also called: SPASTIC PARAPLEGIA, AUTOSOMAL RECESSIVE, COMPLICATED, WITH THIN CORPUS CALLOSUM; SPASTIC PARAPLEGIA, AUTOSOMAL RECESSIVE, WITH MENTAL IMPAIRMENT AND THIN CORPUS CALLOSUM; Nakamura Osame syndrome; Autosomal recessive hereditary spastic paraplegia, mental impairment, and thin corpus callosum; Spastic paraplegia, mental retardation and thin corpus callosum; Spastic Paraplegia 11. Identifiers: Orphanet 2822, MedGen C1858479, MONDO:0011445, OMIM 604360.

Allele frequency attached by ClinVar (database versions not stated): gnomAD exomes below 0.00001 and 0.00001; gnomAD 0.00001; TOPMed 0.00001.
gnomAD v4.1: 8 of 1,599,978 alleles (0.0005%); highest among the groups gnomAD compares: Admixed American, 0.0084%; no homozygotes.

Submissions (2):

Labcorp Genetics (formerly Invitae), Labcorp
Classification: Likely benign for Hereditary spastic paraplegia 11. Last evaluated: 2025-05-08. Review status: criteria provided, single submitter. Criteria: Invitae Variant Classification Sherloc (09022015). Collection method: clinical testing. Allele origin: germline.

Ambry Genetics
Classification: Uncertain significance for Inborn genetic diseases. Last evaluated: 2021-06-09. Review status: criteria provided, single submitter. Criteria: Ambry Variant Classification Scheme 2023. Collection method: clinical testing. Allele origin: germline.
Comment: The c.2621-5T>C intronic variant results from a T to C substitution 5 nucleotides upstream from coding exon 15 in the SPG11 gene. This nucleotide position is not well conserved in available vertebrate species. In silico splice site analysis predicts that this alteration will not have any significant effect on splicing. Since supporting evidence is limited at this time, the clinical significance of this alteration remains unclear.